The following is an entry in ClinVar:

NM_183357.3(ADCY5):c.541G>A (p.Gly181Ser)

Gene: ADCY5 (adenylate cyclase 5; minus strand). Cytogenetic location: 3q21.1.
Variant type: single nucleotide variant.
Coding change: c.541G>A on transcript NM_183357.3 (MANE Select); coding-DNA position 541, G replaced by A.
Protein change: p.Gly181Ser; replaces glycine 181 with serine.
Molecular consequence: missense variant.
Genome position (GRCh38, 1-based): chr3:123,448,005, C>T on the plus strand (G>A on the coding strand, the complement: ADCY5 is on the minus strand). VCF-style: chr3-123448005-C-T. GRCh37 (hg19) VCF-style: chr3-123166852-C-T.
Other names: c.541G>A, p.Gly181Ser (NM_001378259.1); short protein forms G181S.
Identifiers: ClinVar variation 2728130 (VCV002728130.3), dbSNP rs1945858601, ClinGen allele CA354357393.

ClinVar aggregate classification (germline): Uncertain significance (1 of 4 stars; one submission).

Allele frequency attached by ClinVar (database versions not stated): gnomAD exomes below 0.00001; TOPMed 0.00003.
gnomAD v4.1: 2 of 1,292,702 alleles (0.00015%); highest among the groups gnomAD compares: Admixed American, 0.0041%; no homozygotes.

Submission:

Labcorp Genetics (formerly Invitae), Labcorp
Classification: Uncertain significance. Last evaluated: 2023-05-15. Review status: criteria provided, single submitter. Criteria: Invitae Variant Classification Sherloc (09022015). Collection method: clinical testing. Allele origin: germline.
Comment: This variant is not present in population databases (gnomAD no frequency). This sequence change replaces glycine, which is neutral and non-polar, with serine, which is neutral and polar, at codon 181 of the ADCY5 protein (p.Gly181Ser). This variant has not been reported in the literature in individuals affected with ADCY5-related conditions. Advanced modeling of protein sequence and biophysical properties (such as structural, functional, and spatial information, amino acid conservation, physicochemical variation, residue mobility, and thermodynamic stability) performed at Invitae indicates that this missense variant is not expected to disrupt ADCY5 protein function. In summary, the available evidence is currently insufficient to determine the role of this variant in disease. Therefore, it has been classified as a Variant of Uncertain Significance.